The following is an entry in ClinVar:

ClinVar aggregate classification (germline): Uncertain significance (1 of 4 stars; one submission).

Conditions:
MELAS syndrome (MELAS). Also called: Juvenile myopathy, encephalopathy, lactic acidosis, stroke. Identifiers: Orphanet 550, MedGen C0162671, MONDO:0010789, OMIM 540000.

Submission:

Wong Mito Lab, Molecular and Human Genetics, Baylor College of Medicine
Classification: Uncertain significance for MELAS syndrome. Last evaluated: 2019-07-12. Review status: criteria provided, single submitter. Criteria: Modified ACMG Guidelines (Unpublished). Collection method: clinical testing. Allele origin: germline.
Comment: The NC_012920.1:m.5607T>C variant in MT-TA gene is interpreted to be a Unknown Significance variant based on the modified ACMG guidelines (unpublished). This variant meets the following evidence codes reported in the guidelines: PP3, PP7, BP5

Literature cited by the submitters: PubMed 31965079.

NC_012920.1(MT-TA):m.5607T>C

Gene: MT-TA (mitochondrially encoded tRNA alanine; minus strand).
Variant type: single nucleotide variant.
Genome position: chrM-5607-T-C.
Identifiers: ClinVar variation 689956 (VCV000689956.1), dbSNP rs1603220054, ClinGen allele CA913179986.